The following is an entry in ClinVar:

NM_015909.4(NBAS):c.603_605del (p.Leu202del)

Gene: NBAS (NBAS subunit of NRZ tethering complex; minus strand). Cytogenetic location: 2p24.3.
Variant type: Deletion.
Coding change: c.603_605del on transcript NM_015909.4 (MANE Select); coding-DNA positions 603 to 605, 3 bases deleted (CCT; older notation c.603_605delCCT).
Protein change: p.Leu202del; deletes leucine 202.
Molecular consequence: inframe deletion. On other transcripts: non-coding transcript variant (1).
Genome position (GRCh38, 1-based): chr2:15,536,460-15,536,462, AGG deleted on the plus strand (CCT on the coding strand, the reverse complement: NBAS is on the minus strand); deleting any 3 consecutive bases within chr2:15,536,460-15,536,464 gives the same sequence; the c. name uses the placement nearest the transcript's 3' end. VCF-style (leftmost placement, unchanged base first): chr2-15536459-CAGG-C. GRCh37 (hg19) VCF-style: chr2-15676583-CAGG-C.
Other names: c.603_605del (NM_015909.2); c.603_605delCCT (NM_015909.3); short protein forms L202del.
Identifiers: ClinVar variation 204583 (VCV000204583.11), dbSNP rs796065038, ClinGen allele CA204032.

ClinVar aggregate classification (germline): Conflicting classifications of pathogenicity. Review status: criteria provided, conflicting classifications (1 of 4 stars). 5 submissions from 5 submitters: Pathogenic (1); Likely pathogenic (1); Uncertain significance (2). 1 of the submissions does not count toward it. Last evaluated 2023-03-06.

Conditions:
Short stature-optic atrophy-Pelger-Huët anomaly syndrome. Also called: Short stature, optic nerve atrophy, and Pelger-Huet anomaly; Short stature-optic atrophy-Pelger-HuC+t anomaly syndrome. Identifiers: Orphanet 391677, MedGen C3541319, MONDO:0013889, OMIM 614800.
Infantile liver failure syndrome 2 (ILFS2). Identifiers: MedGen C3809651, MONDO:0014659, OMIM 616483.
Neurodevelopmental disorder. Identifiers: MedGen C1535926, MeSH D065886, MONDO:0700092.

Submissions (5):

Women's Health and Genetics/Laboratory Corporation of America, LabCorp
Classification: Uncertain significance. Last evaluated: 2023-03-06. Review status: criteria provided, single submitter. Criteria: LabCorp Variant Classification Summary - May 2015. Collection method: clinical testing. Allele origin: germline.
Comment: Variant summary: NBAS c.603_605delCCT (p.Leu202del) results in an in-frame deletion that is predicted to remove one amino acid, Leu202, from the N-terminal domain (IPR029145) of the encoded protein. The variant was absent in 251126 control chromosomes (gnomAD). The available data on variant occurrences in the general population are insufficient to allow any conclusion about variant significance. c.603_605delCCT has been reported in the literature in the compound heterozygous state in at least one individual affected with Infantile Acute Liver Failure (e.g. Haack_2015, Lenz_2021). These data do not allow any conclusion about variant significance. To our knowledge, no experimental evidence demonstrating an impact on protein function has been reported. Three submitters have provided clinical-significance assessments for this variant to ClinVar after 2014 and classified the variant as either pathogenic (n=1)/likely pathogenic (n=1) or VUS (n=1). Based on the evidence outlined above, the variant was classified as uncertain significance.

Laboratory of Molecular Genetics (Pr. Bezieau's lab), CHU de Nantes
Classification: Pathogenic for Neurodevelopmental disorder. Last evaluated: 2023-01-10. Review status: criteria provided, single submitter. Criteria: ACMG Guidelines, 2015. Collection method: clinical testing. Allele origin: germline. Affected: yes.

Labcorp Genetics (formerly Invitae), Labcorp
Classification: Uncertain significance. Last evaluated: 2022-07-14. Review status: criteria provided, single submitter. Criteria: Invitae Variant Classification Sherloc (09022015). Collection method: clinical testing. Allele origin: germline.
Comment: In summary, the available evidence is currently insufficient to determine the role of this variant in disease. Therefore, it has been classified as a Variant of Uncertain Significance. ClinVar contains an entry for this variant (Variation ID: 204583). This variant has been observed in individual(s) with clinical features of NBAS-related conditions (PMID: 26073778, 28031453, 34386911). This variant is not present in population databases (gnomAD no frequency). This variant, c.603_605del, results in the deletion of 1 amino acid(s) of the NBAS protein (p.Leu202del), but otherwise preserves the integrity of the reading frame.

Fulgent Genetics
Classification: Likely pathogenic for Short stature-optic atrophy-Pelger-Huët anomaly syndrome; Infantile liver failure syndrome 2. Last evaluated: 2022-03-31. Review status: criteria provided, single submitter. Criteria: ACMG Guidelines, 2015. Collection method: clinical testing. Allele origin: unknown.

OMIM
Classification: Pathogenic for INFANTILE LIVER FAILURE SYNDROME 2. Last evaluated: 2015-07-02. Review status: no assertion criteria provided. Collection method: literature only. Allele origin: germline. Not counted in ClinVar's aggregate classification.

Literature cited by the submitters: PubMed 26073778 (cited by 3 submitters); PubMed 34386911 (cited by Women's Health and Genetics/Laboratory Corporation of America, LabCorp and Labcorp Genetics (formerly Invitae), Labcorp); PubMed 28031453 (cited by Labcorp Genetics (formerly Invitae), Labcorp).